The following is an entry in ClinVar:

NM_000368.5(TSC1):c.1374T>A (p.Asp458Glu)

Gene: TSC1 (TSC complex subunit 1; minus strand). Cytogenetic location: 9q34.13.
Variant type: single nucleotide variant.
Coding change: c.1374T>A on transcript NM_000368.5 (MANE Select); coding-DNA position 1374, T replaced by A.
Protein change: p.Asp458Glu; replaces aspartic acid 458 with glutamic acid.
Molecular consequence: missense variant.
Genome position (GRCh38, 1-based): chr9:132,906,795, A>T on the plus strand (T>A on the coding strand, the complement: TSC1 is on the minus strand). VCF-style: chr9-132906795-A-T. GRCh37 (hg19) VCF-style: chr9-135782182-A-T.
Other names: c.1371T>A, p.Asp457Glu (NM_001162426.2); c.1221T>A, p.Asp407Glu (NM_001162427.2); c.1011T>A, p.Asp337Glu (NM_001362177.2); short protein forms D458E, D337E, D457E, D407E.
Identifiers: ClinVar variation 1352450 (VCV001352450.6), dbSNP rs2131865879, ClinGen allele CA375365980.
Genomic context (GRCh38, chr9:132,906,795, plus strand): 5'-TTCTTTATCTTTTTCAATACTATCTTCTTCAGAGGCCAGATCACCTAAAAACCCTGGAAG[A>T]TCACTTAGAGTGACAGAACCTTTGCTGCCAGGTGGCTCTTCTGAAGAGAAACAAAGACAA-3'
Protein context (NP_000359.1, residues 448-468): PGSKGSVTLS[Asp458Glu]LPGFLGDLAS

ClinVar aggregate classification (germline): Uncertain significance (1 of 4 stars; one submission).

Conditions:
Tuberous sclerosis 1 (TSC1). Identifiers: Orphanet 805, MedGen C1854465, MONDO:0008612, OMIM 191100.

Submission:

Labcorp Genetics (formerly Invitae), Labcorp
Classification: Uncertain significance for Tuberous sclerosis 1. Last evaluated: 2021-12-14. Review status: criteria provided, single submitter. Criteria: Invitae Variant Classification Sherloc (09022015). Collection method: clinical testing. Allele origin: germline.
Comment: This sequence change replaces aspartic acid, which is acidic and polar, with glutamic acid, which is acidic and polar, at codon 458 of the TSC1 protein (p.Asp458Glu). In summary, the available evidence is currently insufficient to determine the role of this variant in disease. Therefore, it has been classified as a Variant of Uncertain Significance. Algorithms developed to predict the effect of missense changes on protein structure and function (SIFT, PolyPhen-2, Align-GVGD) all suggest that this variant is likely to be tolerated. This variant has not been reported in the literature in individuals affected with TSC1-related conditions. This variant is not present in population databases (gnomAD no frequency).